The following is an entry in ClinVar:

NM_015559.3(SETBP1):c.2701A>G (p.Asn901Asp)

Gene: SETBP1 (SET binding protein 1; plus strand). Cytogenetic location: 18q12.3.
Variant type: single nucleotide variant.
Coding change: c.2701A>G on transcript NM_015559.3 (MANE Select); coding-DNA position 2701, A replaced by G.
Protein change: p.Asn901Asp; replaces asparagine 901 with aspartic acid.
Molecular consequence: missense variant.
Genome position (GRCh38, 1-based): chr18:44,952,041, A>G. VCF-style: chr18-44952041-A-G. GRCh37 (hg19) VCF-style: chr18-42532006-A-G.
Other names: c.2701A>G, p.Asn901Asp (NM_001379141.1, NM_001379142.1, NM_001410862.1); short protein forms N901D.
Identifiers: ClinVar variation 3642351 (VCV003642351.2).

ClinVar aggregate classification (germline): Uncertain significance (1 of 4 stars; one submission).

gnomAD v4.1: 1 of 1,614,094 alleles (0.000062%); highest among the groups gnomAD compares: African/African-American, 0.0013%; no homozygotes.

Submission:

Labcorp Genetics (formerly Invitae), Labcorp
Classification: Uncertain significance. Last evaluated: 2024-02-21. Review status: criteria provided, single submitter. Criteria: Invitae Variant Classification Sherloc (09022015). Collection method: clinical testing. Allele origin: germline.
Comment: This sequence change replaces asparagine, which is neutral and polar, with aspartic acid, which is acidic and polar, at codon 901 of the SETBP1 protein (p.Asn901Asp). This variant is not present in population databases (gnomAD no frequency). This variant has not been reported in the literature in individuals affected with SETBP1-related conditions. Advanced modeling of protein sequence and biophysical properties (such as structural, functional, and spatial information, amino acid conservation, physicochemical variation, residue mobility, and thermodynamic stability) performed at Invitae indicates that this missense variant is not expected to disrupt SETBP1 protein function with a negative predictive value of 80%. In summary, the available evidence is currently insufficient to determine the role of this variant in disease. Therefore, it has been classified as a Variant of Uncertain Significance.